The following is an entry in ClinVar:

NM_000219.6(KCNE1):c.218A>T (p.His73Leu)

Gene: KCNE1 (potassium voltage-gated channel subfamily E regulatory subunit 1; minus strand). Cytogenetic location: 21q22.12.
Variant type: single nucleotide variant.
Coding change: c.218A>T on transcript NM_000219.6 (MANE Select); coding-DNA position 218, A replaced by T.
Protein change: p.His73Leu; replaces histidine 73 with leucine.
Molecular consequence: missense variant.
Genome position (GRCh38, 1-based): chr21:34,449,417, T>A on the plus strand (A>T on the coding strand, the complement: KCNE1 is on the minus strand). VCF-style: chr21-34449417-T-A. GRCh37 (hg19) VCF-style: chr21-35821715-T-A.
Other names: c.218A>T, p.His73Leu (NM_001127668.4, NM_001127669.4, NM_001127670.4 and 4 more transcripts); short protein forms H73L.
Identifiers: ClinVar variation 3374357 (VCV003374357.2).
Genomic context (GRCh38, chr21:34,449,417, plus strand): 5'-GCCTTGTCCTTCTCTTGCCAGGCATCGGACTCGATGTAGACGTTGAATGGGTCGTTCGAG[T>A]GCTCCAGCTTCTTGGAGCGGATGTAGCTCAGCATGATGCCCAGGGTGAAGAAGCCGAAGA-3'
Protein context (NP_000210.2, residues 63-83): LSYIRSKKLE[His73Leu]SNDPFNVYIE

Conditions:
Long QT syndrome 5 (LQT5). Identifiers: Orphanet 101016, Orphanet 768, MedGen C1867904, MONDO:0013372, OMIM 613695.

Submission:

Roden Lab, Vanderbilt University Medical Center
No classification provided (evidence only). Condition: Long QT syndrome 5. Review status: no classification provided. Collection method: in vitro. Allele origin: not applicable. Functional consequence: Effect on ion channel function.
ClinVar note: "not provided" was previously submitted as the classification for the variant. However, the classification appeared to be based only on an observation of functional data so it was converted to no classification on 2025-07-30.